The following is an entry in ClinVar:

ClinVar aggregate classification (germline): Uncertain significance (1 of 4 stars; one submission).

Conditions:
Hypoplastic enamel-onycholysis-hypohidrosis syndrome (TNS). Also called: WITKOP SYNDROME; ECTODERMAL DYSPLASIA 3, TOOTH/NAIL TYPE; NAIL DYSPLASIA WITH HYPODONTIA; Tooth-and-Nail Syndrome; ECTODERMAL DYSPLASIA 3, WITKOP TYPE. Identifiers: Orphanet 2228, MedGen C0406735, MONDO:0008582, OMIM 189500.

Submission:

Labcorp Genetics (formerly Invitae), Labcorp
Classification: Uncertain significance for Hypoplastic enamel-onycholysis-hypohidrosis syndrome. Last evaluated: 2024-06-03. Review status: criteria provided, single submitter. Criteria: Invitae Variant Classification Sherloc (09022015). Collection method: clinical testing. Allele origin: germline.
Comment: This sequence change replaces arginine, which is basic and polar, with tryptophan, which is neutral and slightly polar, at codon 158 of the MSX1 protein (p.Arg158Trp). This variant is present in population databases (rs781507762, gnomAD 0.01%). This variant has not been reported in the literature in individuals affected with MSX1-related conditions. An algorithm developed to predict the effect of missense changes on protein structure and function (PolyPhen-2) suggests that this variant is likely to be disruptive. In summary, the available evidence is currently insufficient to determine the role of this variant in disease. Therefore, it has been classified as a Variant of Uncertain Significance.

NM_002448.3(MSX1):c.472C>T (p.Arg158Trp)

Gene: MSX1 (msh homeobox 1; plus strand). Cytogenetic location: 4p16.2.
Variant type: single nucleotide variant.
Coding change: c.472C>T on transcript NM_002448.3 (MANE Select); coding-DNA position 472, C replaced by T.
Protein change: p.Arg158Trp; replaces arginine 158 with tryptophan.
Molecular consequence: missense variant.
Genome position (GRCh38, 1-based): chr4:4,862,703, C>T. VCF-style: chr4-4862703-C-T. GRCh37 (hg19) VCF-style: chr4-4864430-C-T.
Other names: short protein forms R158W.
Identifiers: ClinVar variation 3713484 (VCV003713484.2).
Genomic context (GRCh38, chr4:4,862,703, plus strand): 5'-GATCATGCTCCAATGCTTCTCTCTTAACCCCTTGCTTTTTTTTTCTTTCGGCCCTCAGGG[C>T]GGCTGAGCCCCCCAGCCTGCACCCTCCGCAAACACAAGACGAACCGTAAGCCGCGGACGC-3'
Protein context (NP_002439.2, residues 148-168): SPRFSPPPAR[Arg158Trp]LSPPACTLRK